The following is an entry in ClinVar:

ClinVar aggregate classification (germline): Benign/Likely benign. Review status: criteria provided, multiple submitters, no conflicts (2 of 4 stars). 3 submissions from 3 submitters: Benign (1); Likely benign (2). Last evaluated 2025-01-22.

Conditions:
Hereditary cancer-predisposing syndrome. Also called: Neoplastic Syndromes, Hereditary; Hereditary Cancer Syndrome; Hereditary neoplastic syndrome; Tumor predisposition. Identifiers: Orphanet 140162, MedGen C0027672, MeSH D009386, MONDO:0015356.
Oligodontia-cancer predisposition syndrome. Also called: TOOTH AGENESIS-COLORECTAL CANCER SYNDROME. Identifiers: Orphanet 300576, MedGen C1837750, MONDO:0012075, OMIM 608615. Disease mechanism: loss of function.

Allele frequency attached by ClinVar (database versions not stated): gnomAD exomes below 0.00001; gnomAD 0.00001.
gnomAD v4.1: 7 of 1,614,052 alleles (0.00043%); highest among the groups gnomAD compares: African/African-American, 0.0013%; no homozygotes.

Submissions (3):

Labcorp Genetics (formerly Invitae), Labcorp
Classification: Likely benign for Oligodontia-cancer predisposition syndrome. Last evaluated: 2025-01-22. Review status: criteria provided, single submitter. Criteria: Invitae Variant Classification Sherloc (09022015). Collection method: clinical testing. Allele origin: germline.

Myriad Genetics, Inc.
Classification: Benign for Oligodontia-cancer predisposition syndrome. Last evaluated: 2024-06-26. Review status: criteria provided, single submitter. Criteria: Myriad Autosomal Dominant, Autosomal Recessive and X-Linked Classification Criteria (2023). Collection method: clinical testing. Allele origin: unknown.
Comment: This variant is considered benign. This variant is a silent/synonymous amino acid change and it is not expected to impact splicing.

Ambry Genetics
Classification: Likely benign for Hereditary cancer-predisposing syndrome. Last evaluated: 2019-08-21. Review status: criteria provided, single submitter. Criteria: Ambry Variant Classification Scheme 2023. Collection method: clinical testing. Allele origin: germline.

NM_004655.4(AXIN2):c.279C>T (p.Tyr93=)

Gene: AXIN2 (axin 2; minus strand). Cytogenetic location: 17q24.1.
Variant type: single nucleotide variant.
Coding change: c.279C>T on transcript NM_004655.4 (MANE Select); coding-DNA position 279, C replaced by T.
Protein change: p.Tyr93=; no amino-acid change (tyrosine 93 retained).
Molecular consequence: synonymous variant.
Genome position (GRCh38, 1-based): chr17:65,558,342, G>A on the plus strand (C>T on the coding strand, the complement: AXIN2 is on the minus strand). VCF-style: chr17-65558342-G-A. GRCh37 (hg19) VCF-style: chr17-63554460-G-A.
Other names: c.279C>T, p.Tyr93= (NM_001363813.1).
Identifiers: ClinVar variation 1118152 (VCV001118152.12), dbSNP rs2044304987, ClinGen allele CA501691960.